The following is an entry in ClinVar:

NM_005477.3(HCN4):c.190G>A (p.Gly64Ser)

Gene: HCN4 (hyperpolarization activated cyclic nucleotide gated potassium channel 4; minus strand). Cytogenetic location: 15q24.1.
Variant type: single nucleotide variant.
Coding change: c.190G>A on transcript NM_005477.3 (MANE Select); coding-DNA position 190, G replaced by A.
Protein change: p.Gly64Ser; replaces glycine 64 with serine.
Molecular consequence: missense variant.
Genome position (GRCh38, 1-based): chr15:73,368,081, C>T on the plus strand (G>A on the coding strand, the complement: HCN4 is on the minus strand). VCF-style: chr15-73368081-C-T. GRCh37 (hg19) VCF-style: chr15-73660422-C-T.
Other names: short protein forms G64S.
Identifiers: ClinVar variation 3636624 (VCV003636624.2).
Genomic context (GRCh38, chr15:73,368,081, plus strand): 5'-CGCCGCGGGCCGGCCCTTCGCTGTCCGCTGCCCCGAGGGCCGAGCTCCGGGACTCCGTGC[C>T]ACCCGCGGCCGCCGAGGGGGAGGGCGAGGGCAGTGGCCGCAGCCGGATGCTCCTGCGGCT-3'
Protein context (NP_005468.1, residues 54-74): PSPSPSAAAG[Gly64Ser]TESRSSALGA

ClinVar aggregate classification (germline): Uncertain significance (1 of 4 stars; one submission).

Conditions:
Brugada syndrome 8 (BRGDA8). Identifiers: Orphanet 130, MedGen C2751083, MONDO:0013148, OMIM 613123.

gnomAD v4.1: 1 of 1,487,856 alleles (0.000067%); no homozygotes.

Submission:

Labcorp Genetics (formerly Invitae), Labcorp
Classification: Uncertain significance for Brugada syndrome 8. Last evaluated: 2024-07-23. Review status: criteria provided, single submitter. Criteria: Invitae Variant Classification Sherloc (09022015). Collection method: clinical testing. Allele origin: germline.
Comment: This sequence change replaces glycine, which is neutral and non-polar, with serine, which is neutral and polar, at codon 64 of the HCN4 protein (p.Gly64Ser). This variant is not present in population databases (gnomAD no frequency). This variant has not been reported in the literature in individuals affected with HCN4-related conditions. Advanced modeling of protein sequence and biophysical properties (such as structural, functional, and spatial information, amino acid conservation, physicochemical variation, residue mobility, and thermodynamic stability) performed at Invitae indicates that this missense variant is not expected to disrupt HCN4 protein function with a negative predictive value of 95%. In summary, the available evidence is currently insufficient to determine the role of this variant in disease. Therefore, it has been classified as a Variant of Uncertain Significance.